The following is an entry in ClinVar:

NM_001354604.2(MITF):c.694A>T (p.Ser232Cys)

Gene: MITF (melanocyte inducing transcription factor; plus strand). Cytogenetic location: 3p13.
Variant type: single nucleotide variant.
Coding change: c.694A>T on transcript NM_001354604.2 (MANE Select); coding-DNA position 694, A replaced by T.
Protein change: p.Ser232Cys; replaces serine 232 with cysteine.
Molecular consequence: missense variant.
Genome position (GRCh38, 1-based): chr3:69,941,263, A>T. VCF-style: chr3-69941263-A-T. GRCh37 (hg19) VCF-style: chr3-69990414-A-T.
Other names: c.373A>T, p.Ser125Cys (NM_000248.4, NM_198158.3); c.538A>T, p.Ser180Cys (NM_001184967.2, NM_001354608.2); c.691A>T, p.Ser231Cys (NM_001354605.2, NM_001354606.2, NM_006722.3); c.643A>T, p.Ser215Cys (NM_001354607.2); c.694A>T, p.Ser232Cys (NM_198159.3); c.646A>T, p.Ser216Cys (NM_198177.3); c.205A>T, p.Ser69Cys (NM_198178.3); short protein forms S125C, S180C, S215C, S216C, S231C, S232C, S69C.
Identifiers: ClinVar variation 3754568 (VCV003754568.2).
Genomic context (GRCh38, chr3:69,941,263, plus strand): 5'-TTTGTCTCTCTTCTCTTACCCTTTTTCCTACAGATGGATGATGTAATCGATGACATCATT[A>T]GCCTAGAATCAAGTTATAATGAGGAAATCTTGGGCTTGATGGATCCTGCTTTGCAAATGG-3'
Protein context (NP_001341533.1, residues 222-242): QMDDVIDDII[Ser232Cys]LESSYNEEIL

ClinVar aggregate classification (germline): Uncertain significance (1 of 4 stars; one submission).

Conditions:
Waardenburg syndrome type 2A (WS2A). Also called: WAARDENBURG SYNDROME WITHOUT DYSTOPIA CANTHORUM. Identifiers: Orphanet 3440, MedGen C1860339, MONDO:0008671, OMIM 193510.
Tietz syndrome (TADS). Also called: ALBINISM-DEAFNESS OF TIETZ; HYPOPIGMENTATION/DEAFNESS OF TIETZ; TIETZ ALBINISM-DEAFNESS SYNDROME. Identifiers: Orphanet 42665, MedGen C0391816, MONDO:0007077, OMIM 103500.
Melanoma, cutaneous malignant, susceptibility to, 8. Also called: MELANOMA AND RENAL CELL CARCINOMA, SUSCEPTIBILITY TO; Cutaneous malignant melanoma 8. Identifiers: Orphanet 293822, MedGen C3152204, MONDO:0013759, OMIM 614456.

Submission:

Labcorp Genetics (formerly Invitae), Labcorp
Classification: Uncertain significance for Melanoma, cutaneous malignant, susceptibility to, 8; Waardenburg syndrome type 2A; Tietz syndrome. Last evaluated: 2024-02-11. Review status: criteria provided, single submitter. Criteria: Invitae Variant Classification Sherloc (09022015). Collection method: clinical testing. Allele origin: germline.
Comment: This sequence change replaces serine, which is neutral and polar, with cysteine, which is neutral and slightly polar, at codon 125 of the MITF protein (p.Ser125Cys). This variant is not present in population databases (gnomAD no frequency). This variant has not been reported in the literature in individuals affected with MITF-related conditions. Advanced modeling of protein sequence and biophysical properties (such as structural, functional, and spatial information, amino acid conservation, physicochemical variation, residue mobility, and thermodynamic stability) performed at Invitae indicates that this missense variant is expected to disrupt MITF protein function with a positive predictive value of 80%. In summary, the available evidence is currently insufficient to determine the role of this variant in disease. Therefore, it has been classified as a Variant of Uncertain Significance.